The following is an entry in ClinVar:

NM_006231.4(POLE):c.5895_5897del (p.Glu1966del)

Gene: POLE (DNA polymerase epsilon, catalytic subunit; minus strand). Cytogenetic location: 12q24.33.
Variant type: Deletion.
Coding change: c.5895_5897del on transcript NM_006231.4 (MANE Select); coding-DNA positions 5895 to 5897, 3 bases deleted (AGA; older notation c.5895_5897delAGA).
Protein change: p.Glu1966del; deletes glutamic acid 1966.
Molecular consequence: inframe deletion.
Genome position (GRCh38, 1-based): chr12:132,634,293-132,634,295, TCT deleted on the plus strand (AGA on the coding strand, the reverse complement: POLE is on the minus strand); deleting any 3 consecutive bases within chr12:132,634,293-132,634,297 gives the same sequence; the c. name uses the placement nearest the transcript's 3' end. VCF-style (leftmost placement, unchanged base first): chr12-132634292-CTCT-C. GRCh37 (hg19) VCF-style: chr12-133210878-CTCT-C.
Other names: short protein forms E1966del.
Identifiers: ClinVar variation 1369892 (VCV001369892.8), dbSNP rs2138474574, ClinGen allele CA2573148291.

ClinVar aggregate classification (germline): Uncertain significance (1 of 4 stars; one submission).

Submission:

Labcorp Genetics (formerly Invitae), Labcorp
Classification: Uncertain significance. Last evaluated: 2021-07-26. Review status: criteria provided, single submitter. Criteria: Invitae Variant Classification Sherloc (09022015). Collection method: clinical testing. Allele origin: germline.
Comment: In summary, the available evidence is currently insufficient to determine the role of this variant in disease. Therefore, it has been classified as a Variant of Uncertain Significance. Experimental studies and prediction algorithms are not available or were not evaluated, and the functional significance of this variant is currently unknown. This variant has not been reported in the literature in individuals affected with POLE-related conditions. This variant is not present in population databases (ExAC no frequency). This variant, c.5895_5897del, results in the deletion of 1 amino acid(s) of the POLE protein (p.Glu1966del), but otherwise preserves the integrity of the reading frame.